The following is an entry in ClinVar:

NM_001204.7(BMPR2):c.1277-1G>A

Gene: BMPR2 (bone morphogenetic protein receptor type 2; plus strand). Cytogenetic location: 2q33.2.
Variant type: single nucleotide variant.
Coding change: c.1277-1G>A on transcript NM_001204.7 (MANE Select); the canonical splice acceptor site of the intron before coding-DNA position 1277, G replaced by A.
Molecular consequence: splice acceptor variant.
Genome position (GRCh38, 1-based): chr2:202,542,310, G>A. VCF-style: chr2-202542310-G-A. GRCh37 (hg19) VCF-style: chr2-203407033-G-A.
Identifiers: ClinVar variation 2696504 (VCV002696504.3), dbSNP rs2468722686, ClinGen allele CA350342714.

ClinVar aggregate classification (germline): Pathogenic (1 of 4 stars; one submission).

Conditions:
Primary pulmonary hypertension. Also called: Idiopathic pulmonary hypertension. Identifiers: MedGen C0152171.

Submission:

Labcorp Genetics (formerly Invitae), Labcorp
Classification: Pathogenic for Primary pulmonary hypertension. Last evaluated: 2023-11-17. Review status: criteria provided, single submitter. Criteria: Invitae Variant Classification Sherloc (09022015). Collection method: clinical testing. Allele origin: germline.
Comment: This sequence change affects an acceptor splice site in intron 9 of the BMPR2 gene. It is expected to disrupt RNA splicing. Variants that disrupt the donor or acceptor splice site typically lead to a loss of protein function (PMID: 16199547), and loss-of-function variants in BMPR2 are known to be pathogenic (PMID: 16429395). This variant is not present in population databases (gnomAD no frequency). Disruption of this splice site has been observed in individuals with pulmonary arterial hypertension (PMID: 28480048, 30578397; Invitae). Algorithms developed to predict the effect of sequence changes on RNA splicing suggest that this variant may disrupt the consensus splice site. For these reasons, this variant has been classified as Pathogenic.

Literature cited by the submitters: PubMed 16199547; PubMed 16429395; PubMed 28480048; PubMed 30578397.